The following is an entry in ClinVar:

NM_000258.3(MYL3):c.399C>T (p.Phe133=)

Gene: MYL3 (myosin light chain 3; minus strand). Cytogenetic location: 3p21.31.
Variant type: single nucleotide variant.
Coding change: c.399C>T on transcript NM_000258.3 (MANE Select); coding-DNA position 399, C replaced by T.
Protein change: p.Phe133=; no amino-acid change (phenylalanine 133 retained).
Molecular consequence: synonymous variant.
Genome position (GRCh38, 1-based): chr3:46,859,557, G>A on the plus strand (C>T on the coding strand, the complement: MYL3 is on the minus strand). VCF-style: chr3-46859557-G-A. GRCh37 (hg19) VCF-style: chr3-46901047-G-A.
Other names: p.Phe133=.
Identifiers: ClinVar variation 702328 (VCV000702328.14), dbSNP rs112992334, ClinGen allele CA044007.

ClinVar aggregate classification (germline): Likely benign. Review status: criteria provided, multiple submitters, no conflicts (2 of 4 stars). 6 submissions from 6 submitters: Likely benign (6). Last evaluated 2026-04-27.

Conditions:
MYL3-related disorder. Also called: MYL3-related condition.
Cardiovascular phenotype. Identifiers: MedGen CN230736.
Cardiomyopathy (CMYO). Also called: Cardiomyopathies. Identifiers: Orphanet 167848, MedGen C0878544, MONDO:0004994, HP:0001638. Inheritance: Various modes of inheritance.
Hypertrophic cardiomyopathy. Also called: HYPERTROPHIC MYOCARDIOPATHY. Identifiers: Orphanet 217569, MedGen C0007194, MeSH D002312, MONDO:0005045, HP:0001639.

Allele frequency attached by ClinVar (database versions not stated): ExAC 0.00001; gnomAD exomes 0.00001 and 0.00002; gnomAD 0.00005; TOPMed 0.00007.
gnomAD v4.1: 36 of 1,614,214 alleles (0.0022%); highest among the groups gnomAD compares: African/African-American, 0.02%; no homozygotes.

Submissions (6):

PreventionGenetics, part of Exact Sciences
Classification: Likely benign for MYL3-related condition. Last evaluated: 2026-04-27. Review status: criteria provided, single submitter. Criteria: ACMG Guidelines, 2015. Collection method: clinical testing. Allele origin: germline.
Comment: This variant is classified as likely benign based on ACMG/AMP sequence variant interpretation guidelines (Richards et al. 2015 PMID: 25741868, with internal and published modifications).

Labcorp Genetics (formerly Invitae), Labcorp
Classification: Likely benign for Hypertrophic cardiomyopathy. Last evaluated: 2025-12-16. Review status: criteria provided, single submitter. Criteria: Invitae Variant Classification Sherloc (09022015). Collection method: clinical testing. Allele origin: germline.

Mayo Clinic Laboratories, Mayo Clinic
Classification: Likely benign. Last evaluated: 2025-07-15. Review status: criteria provided, single submitter. Criteria: ACMG Guidelines, 2015. Collection method: clinical testing. Allele origin: germline. Observed: 1 variant allele.
Comment: BP4, BP7

All of Us Research Program, National Institutes of Health
Classification: Likely benign for Hypertrophic cardiomyopathy. Last evaluated: 2023-09-17. Review status: criteria provided, single submitter. Criteria: ACMG Guidelines, 2015. Collection method: clinical testing. Allele origin: germline. Inheritance: Autosomal dominant inheritance. Observed: 5 variant alleles, 5 heterozygotes.
Comment: This study involves interpretation of variants in research participants for the purpose of population health screening. Participant phenotype was not available at the time of variant classification. Additional details can be found in publication PMID: 35346344, PMCID: PMC8962531

Ambry Genetics
Classification: Likely benign for Cardiovascular phenotype. Last evaluated: 2021-05-25. Review status: criteria provided, single submitter. Criteria: Ambry Variant Classification Scheme 2023. Collection method: clinical testing. Allele origin: germline.

Color Diagnostics, LLC DBA Color Health
Classification: Likely benign for Cardiomyopathy. Last evaluated: 2019-12-23. Review status: criteria provided, single submitter. Criteria: ACMG Guidelines, 2015. Collection method: clinical testing. Allele origin: germline.